The following is an entry in ClinVar:

NM_021942.6(TRAPPC11):c.2530C>A (p.Arg844Ser)

Gene: TRAPPC11 (trafficking protein particle complex subunit 11; plus strand). Cytogenetic location: 4q35.1.
Variant type: single nucleotide variant.
Coding change: c.2530C>A on transcript NM_021942.6 (MANE Select); coding-DNA position 2530, C replaced by A.
Protein change: p.Arg844Ser; replaces arginine 844 with serine.
Molecular consequence: missense variant.
Genome position (GRCh38, 1-based): chr4:183,694,625, C>A. VCF-style: chr4-183694625-C-A. GRCh37 (hg19) VCF-style: chr4-184615778-C-A.
Other names: c.2530C>A, p.Arg844Ser (NM_199053.3); c.2530C>A (NM_021942.4); short protein forms R844S.
Identifiers: ClinVar variation 572543 (VCV000572543.15), dbSNP rs149626892, ClinGen allele CA3152223.

ClinVar aggregate classification (germline): Conflicting classifications of pathogenicity. Review status: criteria provided, conflicting classifications (1 of 4 stars). 4 submissions from 4 submitters: Uncertain significance (3); Likely benign (1). Last evaluated 2026-01-27.

Conditions:
Inborn genetic diseases. Identifiers: MedGen C0950123, MeSH D030342.
Autosomal recessive limb-girdle muscular dystrophy type R18 (LGMDR18). Also called: Limb-girdle muscular dystrophy, type 2S; MUSCULAR DYSTROPHY, LIMB-GIRDLE, AUTOSOMAL RECESSIVE 18; Autosomal recessive limb-girdle muscular dystrophy type 2S. Identifiers: Orphanet 369840, MedGen C4517996, MONDO:0014144, OMIM 615356.

Allele frequency attached by ClinVar (database versions not stated): gnomAD 0.00025; TOPMed 0.00039; ESP Exome Variant Server 0.00054; 1000 Genomes Project 0.00100; 1000 Genomes Project 30x 0.00109.
gnomAD v4.1: 160 of 1,612,688 alleles (0.0099%); highest among the groups gnomAD compares: African/African-American, 0.093%; 1 homozygote.

Submissions (4):

Labcorp Genetics (formerly Invitae), Labcorp
Classification: Likely benign for Autosomal recessive limb-girdle muscular dystrophy type R18. Last evaluated: 2026-01-27. Review status: criteria provided, single submitter. Criteria: Invitae Variant Classification Sherloc (09022015). Collection method: clinical testing. Allele origin: germline.

Ambry Genetics
Classification: Uncertain significance for Inborn genetic diseases. Last evaluated: 2025-08-02. Review status: criteria provided, single submitter. Criteria: Ambry Variant Classification Scheme 2023. Collection method: clinical testing. Allele origin: germline.

GeneDx
Classification: Uncertain significance. Last evaluated: 2024-05-05. Review status: criteria provided, single submitter. Criteria: GeneDx Variant Classification Process June 2021. Collection method: clinical testing. Allele origin: germline. Affected: yes.
Comment: In silico analysis supports that this missense variant has a deleterious effect on protein structure/function; Has not been previously published as pathogenic or benign to our knowledge

Revvity Omics, Revvity
Classification: Uncertain significance for Autosomal recessive limb-girdle muscular dystrophy type R18. Last evaluated: 2021-04-30. Review status: criteria provided, single submitter. Criteria: ACMG Guidelines, 2015. Collection method: clinical testing. Allele origin: germline.